The following is an entry in ClinVar:

ClinVar aggregate classification (germline): Benign/Likely benign. Review status: criteria provided, multiple submitters, no conflicts (2 of 4 stars). 7 submissions from 7 submitters: Benign (3); Likely benign (3). 1 of the submissions does not count toward it. Last evaluated 2026-01-26.

Conditions:
Hereditary cancer-predisposing syndrome. Also called: Tumor predisposition; Hereditary Cancer Syndrome; Neoplastic Syndromes, Hereditary; Hereditary neoplastic syndrome. Identifiers: Orphanet 140162, MedGen C0027672, MeSH D009386, MONDO:0015356.
ALK-related disorder. Also called: ALK-related condition.
Neuroblastoma, susceptibility to, 3. Also called: ALK-Related Neuroblastic Tumor Susceptibility. Identifiers: Orphanet 635, MedGen C2751681, MONDO:0013083, OMIM 613014.

Allele frequency attached by ClinVar (database versions not stated): 1000 Genomes Project 30x 0.00016; TOPMed 0.00037; ESP Exome Variant Server 0.00054.
gnomAD v4.1: 217 of 1,613,912 alleles (0.013%); highest among the groups gnomAD compares: Middle Eastern, 0.17%; no homozygotes.

Submissions (7):

Labcorp Genetics (formerly Invitae), Labcorp
Classification: Benign for Neuroblastoma, susceptibility to, 3. Last evaluated: 2026-01-26. Review status: criteria provided, single submitter. Criteria: Invitae Variant Classification Sherloc (09022015). Collection method: clinical testing. Allele origin: germline.

KCCC/NGS Laboratory, Kuwait Cancer Control Center
Classification: Benign for Neuroblastoma, susceptibility to, 3. Last evaluated: 2025-02-01. Review status: criteria provided, single submitter. Criteria: ACMG Guidelines, 2015. Collection method: clinical testing. Allele origin: germline. Affected: no.

CeGaT Center for Human Genetics Tuebingen
Classification: Likely benign. Last evaluated: 2024-12-01. Review status: criteria provided, single submitter. Criteria: CeGaT Center For Human Genetics Tuebingen Variant Classification Criteria Version 2. Collection method: clinical testing. Allele origin: germline. Affected: yes. Observed: 3 variant alleles.
Comment: ALK: BP4, BP7

Blueprint Genetics
Classification: Likely benign. Last evaluated: 2024-08-28. Review status: criteria provided, single submitter. Criteria: ACMG Guidelines, 2015. Collection method: clinical testing. Allele origin: germline.

Sema4
Classification: Benign for Hereditary cancer-predisposing syndrome. Last evaluated: 2021-09-01. Review status: criteria provided, single submitter. Criteria: Sema4 Curation Guidelines. Collection method: curation. Allele origin: germline.

Ambry Genetics
Classification: Likely benign for Hereditary cancer-predisposing syndrome. Last evaluated: 2016-12-14. Review status: criteria provided, single submitter. Criteria: Ambry Variant Classification Scheme 2023. Collection method: clinical testing. Allele origin: germline.

PreventionGenetics, part of Exact Sciences
Classification: Likely benign for ALK-related condition. Last evaluated: 2019-04-04. Review status: no assertion criteria provided. Collection method: clinical testing. Allele origin: germline. Not counted in ClinVar's aggregate classification.
Comment: This variant is classified as likely benign based on ACMG/AMP sequence variant interpretation guidelines (Richards et al. 2015 PMID: 25741868, with internal and published modifications).

NM_004304.5(ALK):c.3600G>A (p.Ala1200=)

Gene: ALK (ALK receptor tyrosine kinase; minus strand). Cytogenetic location: 2p23.2.
Variant type: single nucleotide variant.
Coding change: c.3600G>A on transcript NM_004304.5 (MANE Select); coding-DNA position 3600, G replaced by A.
Protein change: p.Ala1200=; no amino-acid change (alanine 1200 retained).
Molecular consequence: synonymous variant.
Genome position (GRCh38, 1-based): chr2:29,220,751, C>T on the plus strand (G>A on the coding strand, the complement: ALK is on the minus strand). VCF-style: chr2-29220751-C-T. GRCh37 (hg19) VCF-style: chr2-29443617-C-T.
Other names: c.396G>A, p.Ala132= (NM_001353765.2).
Identifiers: ClinVar variation 239826 (VCV000239826.44), dbSNP rs56247462, ClinGen allele CA1593852.